The following is an entry in ClinVar:

NM_001134407.3(GRIN2A):c.389G>A (p.Gly130Asp)

Gene: GRIN2A (glutamate ionotropic receptor NMDA type subunit 2A; minus strand). Cytogenetic location: 16p13.2.
Variant type: single nucleotide variant.
Coding change: c.389G>A on transcript NM_001134407.3 (MANE Select); coding-DNA position 389, G replaced by A.
Protein change: p.Gly130Asp; replaces glycine 130 with aspartic acid.
Molecular consequence: missense variant.
Genome position (GRCh38, 1-based): chr16:10,180,023, C>T on the plus strand (G>A on the coding strand, the complement: GRIN2A is on the minus strand). VCF-style: chr16-10180023-C-T. GRCh37 (hg19) VCF-style: chr16-10273880-C-T.
Other names: c.389G>A, p.Gly130Asp (NM_000833.5, NM_001134408.2); short protein forms G130D.
Identifiers: ClinVar variation 3666462 (VCV003666462.2).

ClinVar aggregate classification (germline): Uncertain significance (1 of 4 stars; one submission).

Conditions:
Landau-Kleffner syndrome (FESD). Also called: EPILEPSY, FOCAL, WITH SPEECH DISORDER AND WITH OR WITHOUT MENTAL RETARDATION; APHASIA, ACQUIRED, WITH EPILEPSY. Identifiers: Orphanet 1945, Orphanet 725, Orphanet 98818, MedGen C0282512, MONDO:0009509, OMIM 245570.

gnomAD v4.1: 1 of 1,613,756 alleles (0.000062%); highest among the groups gnomAD compares: Admixed American, 0.0017%; no homozygotes.

Submission:

Labcorp Genetics (formerly Invitae), Labcorp
Classification: Uncertain significance for Landau-Kleffner syndrome. Last evaluated: 2024-09-08. Review status: criteria provided, single submitter. Criteria: Invitae Variant Classification Sherloc (09022015). Collection method: clinical testing. Allele origin: germline.
Comment: This sequence change replaces glycine, which is neutral and non-polar, with aspartic acid, which is acidic and polar, at codon 130 of the GRIN2A protein (p.Gly130Asp). This variant is not present in population databases (gnomAD no frequency). This variant has not been reported in the literature in individuals affected with GRIN2A-related conditions. Invitae Evidence Modeling of protein sequence and biophysical properties (such as structural, functional, and spatial information, amino acid conservation, physicochemical variation, residue mobility, and thermodynamic stability) has been performed for this missense variant. However, the output from this modeling did not meet the statistical confidence thresholds required to predict the impact of this variant on GRIN2A protein function. In summary, the available evidence is currently insufficient to determine the role of this variant in disease. Therefore, it has been classified as a Variant of Uncertain Significance.